The following is an entry in ClinVar:

ClinVar aggregate classification (germline): Uncertain significance (1 of 4 stars; one submission).

Allele frequency attached by ClinVar (database versions not stated): gnomAD exomes below 0.00001; TOPMed below 0.00001; gnomAD 0.00001.
gnomAD v4.1: 3 of 1,613,956 alleles (0.00019%); highest among the groups gnomAD compares: Admixed American, 0.0017%; no homozygotes.

Submission:

Labcorp Genetics (formerly Invitae), Labcorp
Classification: Uncertain significance. Last evaluated: 2022-01-15. Review status: criteria provided, single submitter. Criteria: Invitae Variant Classification Sherloc (09022015). Collection method: clinical testing. Allele origin: germline.
Comment: In summary, the available evidence is currently insufficient to determine the role of this variant in disease. Therefore, it has been classified as a Variant of Uncertain Significance. Algorithms developed to predict the effect of missense changes on protein structure and function are either unavailable or do not agree on the potential impact of this missense change (SIFT: "Deleterious"; PolyPhen-2: "Probably Damaging"; Align-GVGD: "Class C0"). This variant has not been reported in the literature in individuals affected with DENND5A-related conditions. This variant is not present in population databases (gnomAD no frequency). This sequence change replaces proline, which is neutral and non-polar, with leucine, which is neutral and non-polar, at codon 346 of the DENND5A protein (p.Pro346Leu).

NM_015213.4(DENND5A):c.1037C>T (p.Pro346Leu)

Gene: DENND5A (DENN domain containing 5A; minus strand). Cytogenetic location: 11p15.4.
Variant type: single nucleotide variant.
Coding change: c.1037C>T on transcript NM_015213.4 (MANE Select); coding-DNA position 1037, C replaced by T.
Protein change: p.Pro346Leu; replaces proline 346 with leucine.
Molecular consequence: missense variant. On other transcripts: non-coding transcript variant (1).
Genome position (GRCh38, 1-based): chr11:9,193,594, G>A on the plus strand (C>T on the coding strand, the complement: DENND5A is on the minus strand). VCF-style: chr11-9193594-G-A. GRCh37 (hg19) VCF-style: chr11-9215141-G-A.
Other names: c.1037C>T, p.Pro346Leu (NM_001243254.2); c.965C>T, p.Pro322Leu (NM_001348749.2); c.749C>T, p.Pro250Leu (NM_001348750.2); short protein forms P322L, P250L, P346L.
Identifiers: ClinVar variation 1506868 (VCV001506868.6), dbSNP rs1387161787, ClinGen allele CA379594937.